The following is an entry in ClinVar:

ClinVar aggregate classification (germline): Likely pathogenic. Review status: reviewed by expert panel (3 of 4 stars). 6 submissions from 6 submitters: Likely pathogenic (1). 5 of the submissions do not count toward it. Last evaluated 2025-10-07.

Conditions:
von Willebrand disease type 2M (VWD2M). Identifiers: Orphanet 166090, MedGen C1282974, MONDO:0015630.
von Willebrand disease type 2 (VWD2). Also called: VWD, TYPE 2; VON WILLEBRAND DISEASE, TYPE 2A/IIE; VON WILLEBRAND DISEASE, TYPE 2CB; VON WILLEBRAND DISEASE, TYPE II. Identifiers: Orphanet 166081, Orphanet 903, MedGen C1264040, MONDO:0013304, OMIM 613554.

Allele frequency attached by ClinVar (database versions not stated): TOPMed 0.00001; gnomAD 0.00004; gnomAD exomes 0.00004 and 0.00014; ExAC 0.00013; 1000 Genomes Project 30x 0.00078; 1000 Genomes Project 0.00100.
gnomAD v4.1: 71 of 1,614,172 alleles (0.0044%); highest among the groups gnomAD compares: South Asian, 0.069%; no homozygotes.

Submissions (6):

ClinGen von Willebrand Disease Variant Curation Expert Panel, ClinGen
Classification: Likely pathogenic for von Willebrand disease type 2M. Last evaluated: 2025-10-07. Review status: reviewed by expert panel. Criteria: ClinGen VWD 2A B M Rules. Collection method: curation. Allele origin: germline. Inheritance: Autosomal dominant inheritance.
Comment: The c.5347T>G variant in VWF is a missense variant predicted to cause substitution of Serine by Alanine at amino acid 1783 (p.Ser1783Ala). At least 1 patient with this variant displayed excessive mucocutaneous bleeding as well as laboratory phenotypes of a normal multimer pattern, low VWF:RCo/VWF:Ag ratio and abnormal collagen binding assay, which together are highly specific for VWD type 2M. (PP4_moderate, PMID: 19687512). A hydrodynamic mouse model expressing the p.Ser1783Ala variant showed severely reduced type I and type III collagen binding, indicating that this variant has a damaging effect on protein function (PMID: 25051961)(PS3). The computational predictor REVEL gives a score of 0.687, which is above the ClinGen VWD VCEP threshold of >0.644 and predicts a damaging effect on VWF function (PP3). In summary, this variant meets the criteria to be classified as Likely Pathogenic for autosomal dominant von Willebrand disease type 2M based on the ACMG/AMP criteria applied, as specified by the ClinGen VWD VCEP: PP4_Moderate, PS3 and PP3 (VCEP specifications version 1.0.0).

Variantyx, Inc.
Classification: Likely pathogenic for von Willebrand disease type 2. Last evaluated: 2025-03-17. Review status: criteria provided, single submitter. Criteria: Variantyx Assertion Criteria 2022. Collection method: clinical testing. Allele origin: paternal. Not counted in ClinVar's aggregate classification.
Comment: This is a nonsynonymous variant in the VWF gene (OMIM: 613160). Pathogenic variants in this gene have been associated with autosomal dominant von Willebrand disease type 2. This variant has been reported in the heterozygous state in at least four unrelated affected individuals (PMID: 19687512, 25051961, 31423628) (PS4_Moderate). This variant has been observed to segregate with disease in at least two individuals from one family (PMID: 19687512) (PP1). Functional studies have shown that this variant alters VWF protein function (PMID: 19687512, 20345715, 18187670) (PS3_Moderate). Multiple computational algorithms predict a deleterious effect for this variant (REVEL score: 0.687) (PP3). This variant has a 0.0692% maximum allele frequency in non-founder control populations. Based on the current evidence, this variant is classified as likely pathogenic for autosomal dominant von Willebrand disease type 2.Inheritance from an unaffected or mildly affected parent has been reported, consistent with incomplete penetrance and variable expressivity (PMID: 18805962, 8486782).

Quest Diagnostics Nichols Institute San Juan Capistrano
Classification: Likely pathogenic. Last evaluated: 2025-01-17. Review status: criteria provided, single submitter. Criteria: Quest Diagnostics criteria. Collection method: clinical testing. Allele origin: unknown. Not counted in ClinVar's aggregate classification.
Comment: The VWF c.5347T>G (p.Ser1783Ala) variant has been reported in the published literature in an individuals affected with type 2M VWD (PMID: 31423628 (2019)). Additionally, functional evidence suggests that this variant may impact protein function (PMIDs: 19687512 (2009), 25051961 (2014)). The frequency of this variant in the general population (Genome Aggregation Database) is uninformative in the assessment of its pathogenicity. Analysis of this variant using bioinformatics tools for the prediction of the effect of amino acid changes on protein structure and function yielded predictions that this variant is damaging. Based on the available information, this variant is classified as likely pathogenic.

Women's Health and Genetics/Laboratory Corporation of America, LabCorp
Classification: Uncertain significance. Last evaluated: 2022-11-25. Review status: criteria provided, single submitter. Criteria: LabCorp Variant Classification Summary - May 2015. Collection method: clinical testing. Allele origin: germline. Not counted in ClinVar's aggregate classification.
Comment: Variant summary: VWF c.5347T>G (p.Ser1783Ala) results in a conservative amino acid change located in the von Willebrand factor, type A domain (IPR002035) of the encoded protein sequence. Four of five in-silico tools predict a damaging effect of the variant on protein function. The variant allele was found at a frequency of 0.00014 in 251494 control chromosomes. This frequency does not allow conclusions about variant significance. c.5347T>G has been reported in the literature in individuals from at-least two independent families affected with features Von Willebrand Disease supported by abnormal bleeding scores (between 5-10, reference range >/= 4 is abnormal), normal levels of multimers and abnormal CB:Ag ratio of <0.7 (example, Riddell_2009, Motum_2019 cited in Shida_2014). These data indicate that the variant may be associated with disease. At least one publication reports experimental evidence evaluating an impact on protein function (Riddell_2009). The most pronounced variant effect results in defective binding to both types I and III collagen in-vitro. This finding has also been corroborated by a mouse model that demonstrated defects in collagen binding (example, Shido_2014). No clinical diagnostic laboratories have submitted clinical-significance assessments for this variant to ClinVar after 2014. Based on the evidence outlined above, the variant was classified as VUS-possibly pathogenic.

OMIM
Classification: Pathogenic for VON WILLEBRAND DISEASE, TYPE 2CB. Last evaluated: 2009-10-15. Review status: no assertion criteria provided. Collection method: literature only. Allele origin: germline. Not counted in ClinVar's aggregate classification.

Academic Unit of Haematology, University of Sheffield
No classification provided. Review status: no classification provided. Collection method: not provided. Allele origin: not provided. Not counted in ClinVar's aggregate classification.

Literature cited by the submitters: PubMed 19687512 (cited by 3 submitters); PubMed 25051961 (cited by Quest Diagnostics Nichols Institute San Juan Capistrano and Women's Health and Genetics/Laboratory Corporation of America, LabCorp); PubMed 31423628 (cited by Quest Diagnostics Nichols Institute San Juan Capistrano and Women's Health and Genetics/Laboratory Corporation of America, LabCorp).

NM_000552.5(VWF):c.5347T>G (p.Ser1783Ala)

Gene: VWF (von Willebrand factor; minus strand). Cytogenetic location: 12p13.31.
Variant type: single nucleotide variant.
Coding change: c.5347T>G on transcript NM_000552.5 (MANE Select); coding-DNA position 5347, T replaced by G.
Protein change: p.Ser1783Ala; replaces serine 1783 with alanine.
Molecular consequence: missense variant.
Genome position (GRCh38, 1-based): chr12:6,016,197, A>C on the plus strand (T>G on the coding strand, the complement: VWF is on the minus strand). VCF-style: chr12-6016197-A-C. GRCh37 (hg19) VCF-style: chr12-6125363-A-C.
Other names: NM_000552.5(VWF):c.5347T>G; p.Ser1783Ala; short protein forms S1783A.
Identifiers: ClinVar variation 31012 (VCV000031012.5), dbSNP rs267607353, ClinGen allele CA228715.